The following is an entry in ClinVar:

ClinVar aggregate classification (germline): Uncertain significance (1 of 4 stars; one submission).

Conditions:
Hereditary sensory and autonomic neuropathy type 1 (HSAN1). Also called: HSAN 1; HSN Type I; Hereditary Sensory Neuropathy Type I. Identifiers: Orphanet 36386, MedGen C0020071, MONDO:0018213.

Submission:

Labcorp Genetics (formerly Invitae), Labcorp
Classification: Uncertain significance for Hereditary sensory and autonomic neuropathy type 1. Last evaluated: 2023-05-25. Review status: criteria provided, single submitter. Criteria: Invitae Variant Classification Sherloc (09022015). Collection method: clinical testing. Allele origin: germline.
Comment: This sequence change replaces serine, which is neutral and polar, with cysteine, which is neutral and slightly polar, at codon 41 of the SPTLC1 protein (p.Ser41Cys). This variant is not present in population databases (gnomAD no frequency). This variant has not been reported in the literature in individuals affected with SPTLC1-related conditions. Advanced modeling of protein sequence and biophysical properties (such as structural, functional, and spatial information, amino acid conservation, physicochemical variation, residue mobility, and thermodynamic stability) has been performed at Invitae for this missense variant, however the output from this modeling did not meet the statistical confidence thresholds required to predict the impact of this variant on SPTLC1 protein function. In summary, the available evidence is currently insufficient to determine the role of this variant in disease. Therefore, it has been classified as a Variant of Uncertain Significance.

NM_006415.4(SPTLC1):c.122C>G (p.Ser41Cys)

Gene: SPTLC1 (serine palmitoyltransferase long chain base subunit 1; minus strand). Cytogenetic location: 9q22.31.
Variant type: single nucleotide variant.
Coding change: c.122C>G on transcript NM_006415.4 (MANE Select); coding-DNA position 122, C replaced by G.
Protein change: p.Ser41Cys; replaces serine 41 with cysteine.
Molecular consequence: missense variant. On other transcripts: 5 prime UTR variant (2).
Genome position (GRCh38, 1-based): chr9:92,112,498, G>C on the plus strand (C>G on the coding strand, the complement: SPTLC1 is on the minus strand). VCF-style: chr9-92112498-G-C. GRCh37 (hg19) VCF-style: chr9-94874780-G-C.
Other names: c.122C>G, p.Ser41Cys (NM_001281303.2, NM_178324.3); c.-378C>G (NM_001368272.1); c.-344C>G (NM_001368273.1); short protein forms S41C.
Identifiers: ClinVar variation 2996752 (VCV002996752.3), dbSNP rs2538534639, ClinGen allele CA373795501.